The following is an entry in ClinVar:

NM_000789.4(ACE):c.3629C>G (p.Thr1210Arg)

Gene: ACE (angiotensin I converting enzyme; plus strand). Cytogenetic location: 17q23.3.
Variant type: single nucleotide variant.
Coding change: c.3629C>G on transcript NM_000789.4 (MANE Select); coding-DNA position 3629, C replaced by G.
Protein change: p.Thr1210Arg; replaces threonine 1210 with arginine.
Molecular consequence: missense variant. On other transcripts: non-coding transcript variant (1).
Genome position (GRCh38, 1-based): chr17:63,496,923, C>G. VCF-style: chr17-63496923-C-G. GRCh37 (hg19) VCF-style: chr17-61574284-C-G.
Other names: c.1784C>G, p.Thr595Arg (NM_001178057.2); c.3062C>G, p.Thr1021Arg (NM_001382700.1); c.2777C>G, p.Thr926Arg (NM_001382701.1); c.1244C>G, p.Thr415Arg (NM_001382702.1); c.1907C>G, p.Thr636Arg (NM_152830.3); short protein forms T1021R, T1210R, T415R, T595R, T636R, T926R.
Identifiers: ClinVar variation 2080650 (VCV002080650.4), dbSNP rs12720742, ClinGen allele CA8700570.
Genomic context (GRCh38, chr17:63,496,923, plus strand): 5'-CCAACATGAGCGCCTCGGCCATGTTGAGCTACTTCAAGCCGCTGCTGGACTGGCTCCGCA[C>G]GGAGAACGAGCTGCATGGGGAGAAGCTGGGCTGGCCGCAGTACAACTGGACGCCGAACTC-3'
Protein context (NP_000780.1, residues 1200-1220): YFKPLLDWLR[Thr1210Arg]ENELHGEKLG

ClinVar aggregate classification (germline): Uncertain significance (1 of 4 stars; one submission).

gnomAD v4.1: 19 of 1,613,506 alleles (0.0012%); highest among the groups gnomAD compares: African/African-American, 0.0013%; no homozygotes.

Submission:

Labcorp Genetics (formerly Invitae), Labcorp
Classification: Uncertain significance. Last evaluated: 2022-08-10. Review status: criteria provided, single submitter. Criteria: Invitae Variant Classification Sherloc (09022015). Collection method: clinical testing. Allele origin: germline.
Comment: In summary, the available evidence is currently insufficient to determine the role of this variant in disease. Therefore, it has been classified as a Variant of Uncertain Significance. Algorithms developed to predict the effect of missense changes on protein structure and function (SIFT, PolyPhen-2, Align-GVGD) all suggest that this variant is likely to be tolerated. This variant has not been reported in the literature in individuals affected with ACE-related conditions. This variant is present in population databases (rs12720742, gnomAD 0.002%). This sequence change replaces threonine, which is neutral and polar, with arginine, which is basic and polar, at codon 1210 of the ACE protein (p.Thr1210Arg).